The following is an entry in ClinVar:

NM_001035.3(RYR2):c.576+7G>C

Gene: RYR2 (ryanodine receptor 2; plus strand). Cytogenetic location: 1q43.
Variant type: single nucleotide variant.
Coding change: c.576+7G>C on transcript NM_001035.3 (MANE Select); 7 bases into the intron after coding-DNA position 576, G replaced by C.
Molecular consequence: intron variant.
Genome position (GRCh38, 1-based): chr1:237,377,442, G>C. VCF-style: chr1-237377442-G-C. GRCh37 (hg19) VCF-style: chr1-237540742-G-C.
Other names: p.?.
Identifiers: ClinVar variation 43810 (VCV000043810.36), dbSNP rs10925392, ClinGen allele CA010028.

ClinVar aggregate classification (germline): Benign/Likely benign. Review status: criteria provided, multiple submitters, no conflicts (2 of 4 stars). 15 submissions from 14 submitters: Benign (9); Likely benign (3). 3 of the submissions do not count toward it. Last evaluated 2026-02-02.

Conditions:
Cardiovascular phenotype. Identifiers: MedGen CN230736.
Cardiomyopathy (CMYO). Also called: Cardiomyopathies. Identifiers: Orphanet 167848, MedGen C0878544, MONDO:0004994, HP:0001638. Inheritance: Various modes of inheritance.
Catecholaminergic polymorphic ventricular tachycardia 1. Also called: VENTRICULAR TACHYCARDIA, CATECHOLAMINERGIC POLYMORPHIC, 1, WITH OR WITHOUT ATRIAL DYSFUNCTION AND/OR DILATED CARDIOMYOPATHY; VENTRICULAR TACHYCARDIA, STRESS-INDUCED POLYMORPHIC 1; RYR2-Related Catecholaminergic Polymorphic Ventricular Tachycardia. Identifiers: Orphanet 3286, MedGen C1631597, MONDO:0011484, OMIM 604772.
Arrhythmogenic right ventricular dysplasia 2. Identifiers: MedGen C1832931.

Allele frequency attached by ClinVar (database versions not stated): gnomAD exomes 0.00149; ExAC 0.00200; gnomAD 0.00643; ESP Exome Variant Server 0.00672; 1000 Genomes Project 0.00719; 1000 Genomes Project 30x 0.00750; TOPMed 0.00782.
gnomAD v4.1: 1,754 of 1,597,278 alleles (0.11%); highest among the groups gnomAD compares: African/African-American, 2%; 28 homozygotes.

Submissions (15):

Labcorp Genetics (formerly Invitae), Labcorp
Classification: Benign for Catecholaminergic polymorphic ventricular tachycardia 1. Last evaluated: 2026-02-02. Review status: criteria provided, single submitter. Criteria: Invitae Variant Classification Sherloc (09022015). Collection method: clinical testing. Allele origin: germline.

ARUP Laboratories, Molecular Genetics and Genomics, ARUP Laboratories
Classification: Benign. Last evaluated: 2025-07-23. Review status: criteria provided, single submitter. Criteria: ARUP Molecular Germline Variant Investigation Process 2024. Collection method: clinical testing. Allele origin: germline.

Molecular Diagnostic Laboratory for Inherited Cardiovascular Disease, Montreal Heart Institute
Classification: Likely benign. Last evaluated: 2025-04-09. Review status: criteria provided, single submitter. Criteria: ACMG Guidelines, 2015. Collection method: clinical testing. Allele origin: germline. Affected: no.

Blueprint Genetics
Classification: Likely benign. Last evaluated: 2024-10-07. Review status: criteria provided, single submitter. Criteria: ACMG Guidelines, 2015. Collection method: clinical testing. Allele origin: germline.

Illumina Laboratory Services, Illumina
Classification: Likely benign for Catecholaminergic polymorphic ventricular tachycardia 1. Last evaluated: 2018-01-12. Review status: criteria provided, single submitter. Criteria: ICSL Variant Classification Criteria 13 December 2019. Collection method: clinical testing. Allele origin: germline.
Comment: This variant was observed in the ICSL laboratory as part of a predisposition screen in an ostensibly healthy population. It had not been previously curated by ICSL or reported in the Human Gene Mutation Database (HGMD: prior to June 1st, 2018), and was therefore a candidate for classification through an automated scoring system. Utilizing variant allele frequency, disease prevalence and penetrance estimates, and inheritance mode, an automated score was calculated to assess if this variant is too frequent to cause the disease. Based on the score and internal cut-off values, a variant classified as likely benign is not then subjected to further curation. The score for this variant resulted in a classification of likely benign for this disease.

Illumina Laboratory Services, Illumina
Classification: Benign for Catecholaminergic polymorphic ventricular tachycardia 1. Last evaluated: 2018-01-12. Review status: criteria provided, single submitter. Criteria: ICSL Variant Classification Criteria 13 December 2019. Collection method: clinical testing. Allele origin: germline.
Comment: This variant was observed in the ICSL laboratory as part of a predisposition screen in an ostensibly healthy population. It had not been previously curated by ICSL or reported in the Human Gene Mutation Database (HGMD: prior to June 1st, 2018), and was therefore a candidate for classification through an automated scoring system. Utilizing variant allele frequency, disease prevalence and penetrance estimates, and inheritance mode, an automated score was calculated to assess if this variant is too frequent to cause the disease. Based on the score and internal cut-off values, a variant classified as benign is not then subjected to further curation. The score for this variant resulted in a classification of benign for this disease.

CHEO Genetics Diagnostic Laboratory, Children's Hospital of Eastern Ontario
Classification: Benign for Cardiomyopathy. Last evaluated: 2016-10-12. Review status: criteria provided, single submitter. Criteria: ACMG Guidelines, 2015. Collection method: clinical testing. Allele origin: germline. Study: Canadian Open Genetics Repository.

Mayo Clinic Laboratories, Mayo Clinic
Classification: Benign. Last evaluated: 2016-02-09. Review status: criteria provided, single submitter. Criteria: ACMG Guidelines, 2015. Collection method: clinical testing. Allele origin: germline. Observed: 9 variant alleles.

Ambry Genetics
Classification: Benign for Cardiovascular phenotype. Last evaluated: 2014-12-08. Review status: criteria provided, single submitter. Criteria: Ambry Variant Classification Scheme 2023. Collection method: clinical testing. Allele origin: germline.

Laboratory for Molecular Medicine, Mass General Brigham Personalized Medicine
Classification: Benign. Last evaluated: 2013-01-23. Review status: criteria provided, single submitter. Criteria: LMM Criteria. Collection method: clinical testing. Allele origin: germline. Observed: 13 variant alleles.
Comment: 576+7G>A in intron 8 of RYR2: This variant is not expected to have clinical sign ificance because it has been identified in 2.1% (81/3840) of African American ch romosomes from a broad population by the NHLBI Exome Sequencing Project (dbSNP rs10925392).

GeneDx
Classification: Benign. Last evaluated: 2012-04-17. Review status: criteria provided, single submitter. Criteria: GeneDx Variant Classification (06012015). Collection method: clinical testing. Allele origin: germline. Affected: yes.
Comment: This variant is considered likely benign or benign based on one or more of the following criteria: it is a conservative change, it occurs at a poorly conserved position in the protein, it is predicted to be benign by multiple in silico algorithms, and/or has population frequency not consistent with disease.

PreventionGenetics, part of Exact Sciences
Classification: Benign. Review status: criteria provided, single submitter. Criteria: ACMG Guidelines, 2015. Collection method: clinical testing. Allele origin: germline.

Clinical Genetics DNA and cytogenetics Diagnostics Lab, Erasmus MC, Erasmus Medical Center
Classification: Benign. Review status: no assertion criteria provided. Collection method: clinical testing. Allele origin: germline. Affected: yes. Study: VKGL Data-share Consensus. Not counted in ClinVar's aggregate classification.

Clinical Genetics, Academic Medical Center
Classification: Benign. Review status: no assertion criteria provided. Collection method: clinical testing. Allele origin: germline. Affected: yes. Study: VKGL Data-share Consensus. Not counted in ClinVar's aggregate classification.

Diagnostic Laboratory, Department of Genetics, University Medical Center Groningen
Classification: Likely benign. Review status: no assertion criteria provided. Collection method: clinical testing. Allele origin: germline. Affected: yes. Study: VKGL Data-share Consensus. Not counted in ClinVar's aggregate classification.